The following is an entry in ClinVar:

ClinVar aggregate classification (germline): Pathogenic (1 of 4 stars; one submission).

Conditions:
Hereditary cancer-predisposing syndrome. Also called: Tumor predisposition; Hereditary Cancer Syndrome; Hereditary neoplastic syndrome; Neoplastic Syndromes, Hereditary. Identifiers: Orphanet 140162, MedGen C0027672, MeSH D009386, MONDO:0015356.

Submission:

Ambry Genetics
Classification: Pathogenic for Hereditary cancer-predisposing syndrome. Last evaluated: 2022-11-18. Review status: criteria provided, single submitter. Criteria: Ambry General Variant Classification Scheme_2022. Collection method: clinical testing. Allele origin: germline.
Comment: The c.1765delG pathogenic mutation, located in coding exon 13 of the MSH3 gene, results from a deletion of one nucleotide at nucleotide position 1765, causing a translational frameshift with a predicted alternate stop codon (p.E589Kfs*2). This variant is considered to be rare based on population cohorts in the Genome Aggregation Database (gnomAD). This alteration is expected to result in loss of function by premature protein truncation or nonsense-mediated mRNA decay. As such, this alteration is interpreted as a disease-causing mutation.

NM_002439.3(MSH3):c.1765delG

Gene: MSH3 (mutS homolog 3; plus strand). Cytogenetic location: 5q14.1.
Variant type: Deletion.
Coding change: c.1765delG on transcript NM_002439.3; coding-DNA position 1765, one base deleted (G).
Genome position (GRCh38, 1-based): chr5:80,761,547, G deleted; the last of 3 consecutive G bases (chr5:80,761,545-80,761,547); deleting any one gives the same sequence. VCF-style (leftmost placement, unchanged base first): chr5-80761544-AG-A. GRCh37 (hg19) VCF-style: chr5-80057363-AG-A.
Identifiers: ClinVar variation 2451035 (VCV002451035.1), dbSNP rs2546769967, ClinGen allele CA2580613578.
Genomic context (GRCh38, chr5:80,761,544, plus strand): 5'-GGAAATGTCTATATTCTGAATTCCTAACATATCTGATTATTGCTATTACTCTTTTCTCAC[AG>A]GGAAATAAATGCCCGGCTTGATGCTGTATCGGAAGTTCTCCATTCAGAATCTAGTGTGTT-3'